The following is an entry in ClinVar:

NM_001270.4(CHD1):c.1371A>G (p.Leu457=)

Gene: CHD1 (chromodomain helicase DNA binding protein 1; minus strand). Cytogenetic location: 5q15.
Variant type: single nucleotide variant.
Coding change: c.1371A>G on transcript NM_001270.4 (MANE Select); coding-DNA position 1371, A replaced by G.
Protein change: p.Leu457=; no amino-acid change (leucine 457 retained).
Molecular consequence: synonymous variant. On other transcripts: non-coding transcript variant (2).
Genome position (GRCh38, 1-based): chr5:98,897,315, T>C on the plus strand (A>G on the coding strand, the complement: CHD1 is on the minus strand). VCF-style: chr5-98897315-T-C. GRCh37 (hg19) VCF-style: chr5-98233019-T-C.
Other names: c.1371A>G, p.Leu457= (NM_001364113.3, NM_001376194.2).
Identifiers: ClinVar variation 716116 (VCV000716116.29), dbSNP rs116648225, ClinGen allele CA3356370.

ClinVar aggregate classification (germline): Benign/Likely benign. Review status: criteria provided, multiple submitters, no conflicts (2 of 4 stars). 3 submissions from 3 submitters: Benign (1); Likely benign (2). Last evaluated 2026-04-01.

Conditions:
Pilarowski-Bjornsson syndrome. Also called: DEVELOPMENTAL DELAY AND SPEECH APRAXIA WITH OR WITHOUT SEIZURES. Identifiers: Orphanet 529965, MedGen C4540131, MONDO:0060568, OMIM 617682.

Allele frequency attached by ClinVar (database versions not stated): gnomAD exomes 0.00031 and 0.00094; ExAC 0.00102; gnomAD 0.00365 and 0.00391; 1000 Genomes Project 0.00379; TOPMed 0.00391; 1000 Genomes Project 30x 0.00453; ESP Exome Variant Server 0.00477.
gnomAD v4.1: 1,032 of 1,592,262 alleles (0.065%); highest among the groups gnomAD compares: African/African-American, 1.2%; 7 homozygotes.

Submissions (3):

CeGaT Center for Human Genetics Tuebingen
Classification: Likely benign. Last evaluated: 2026-04-01. Review status: criteria provided, single submitter. Criteria: CeGaT Center For Human Genetics Tuebingen Variant Classification Criteria Version 2. Collection method: clinical testing. Allele origin: germline. Affected: yes. Observed: 3 variant alleles.
Comment: CHD1: BP4, BS1

Fulgent Genetics
Classification: Likely benign for Pilarowski-Bjornsson syndrome. Last evaluated: 2021-09-13. Review status: criteria provided, single submitter. Criteria: ACMG Guidelines, 2015. Collection method: clinical testing. Allele origin: unknown.

Labcorp Genetics (formerly Invitae), Labcorp
Classification: Benign. Last evaluated: 2019-12-31. Review status: criteria provided, single submitter. Criteria: Invitae Variant Classification Sherloc (09022015). Collection method: clinical testing. Allele origin: germline.